The following is an entry in ClinVar:

NM_001372078.1(REV3L):c.4176C>T (p.Asn1392=)

Gene: REV3L (REV3 like, DNA directed polymerase zeta catalytic subunit; minus strand). Cytogenetic location: 6q21.
Variant type: single nucleotide variant.
Coding change: c.4176C>T on transcript NM_001372078.1 (MANE Select); coding-DNA position 4176, C replaced by T.
Protein change: p.Asn1392=; no amino-acid change (asparagine 1392 retained).
Molecular consequence: synonymous variant.
Genome position (GRCh38, 1-based): chr6:111,374,179, G>A on the plus strand (C>T on the coding strand, the complement: REV3L is on the minus strand). VCF-style: chr6-111374179-G-A. GRCh37 (hg19) VCF-style: chr6-111695382-G-A.
Other names: c.3942C>T, p.Asn1314= (NM_001286431.2, NM_001286432.2); c.4176C>T, p.Asn1392= (NM_002912.5).
Identifiers: ClinVar variation 4998691 (VCV004998691.1).

ClinVar aggregate classification (germline): Likely benign (1 of 4 stars; one submission).

Conditions:
REV3L-related disorder. Also called: REV3L-related condition.

gnomAD v4.1: 2 of 1,613,796 alleles (0.00012%); highest among the groups gnomAD compares: African/African-American, 0.0027%; no homozygotes.

Submission:

PreventionGenetics, part of Exact Sciences
Classification: Likely benign for REV3L-related condition. Last evaluated: 2025-11-02. Review status: criteria provided, single submitter. Criteria: ACMG Guidelines, 2015. Collection method: clinical testing. Allele origin: germline.
Comment: This variant is classified as likely benign based on ACMG/AMP sequence variant interpretation guidelines (Richards et al. 2015 PMID: 25741868, with internal and published modifications).